The following is an entry in ClinVar:

ClinVar aggregate classification (germline): Conflicting classifications of pathogenicity. Review status: criteria provided, conflicting classifications (1 of 4 stars). 3 submissions from 3 submitters: Pathogenic (1); Likely pathogenic (1); Uncertain significance (1). Last evaluated 2025-12-08.

Conditions:
Familial adenomatous polyposis 2. Also called: Adenomas, multiple colorectal; MUTYH Polyposis; COLORECTAL ADENOMATOUS POLYPOSIS, AUTOSOMAL RECESSIVE; ADENOMAS, MULTIPLE COLORECTAL, AUTOSOMAL RECESSIVE; MUTYH-associated polyposis; MUTYH-related attenuated familial adenomatous polyposis. Identifiers: Orphanet 220460, Orphanet 247798, MedGen C3272841, MONDO:0012041, OMIM 608456.
Hereditary cancer-predisposing syndrome. Also called: Neoplastic Syndromes, Hereditary; Tumor predisposition; Hereditary Cancer Syndrome; Hereditary neoplastic syndrome. Identifiers: Orphanet 140162, MedGen C0027672, MeSH D009386, MONDO:0015356.

Submissions (3):

Labcorp Genetics (formerly Invitae), Labcorp
Classification: Pathogenic for Familial adenomatous polyposis 2. Last evaluated: 2025-12-08. Review status: criteria provided, single submitter. Criteria: Invitae Variant Classification Sherloc (09022015). Collection method: clinical testing. Allele origin: germline.
Comment: This sequence change is expected to alter the c-terminus of the MUTYH protein (p.Ala541Hisfs*30). While this is not anticipated to result in nonsense mediated decay, it is expected to disrupt the last 9 amino acid(s) of the MUTYH protein and extend the protein by 20 additional amino acid residues. This variant is not present in population databases (gnomAD no frequency). This variant has not been reported in the literature in individuals affected with MUTYH-related conditions. ClinVar contains an entry for this variant (Variation ID: 919530). This variant results in an extension of the MUTYH protein. Other variant(s) that result in a similarly extended protein product (p.Ala547Glufs*24) have been determined to be pathogenic (PMID: 34704405; external communication). This suggests that these extensions are likely to be disease-causing. For these reasons, this variant has been classified as Pathogenic.

Color Diagnostics, LLC DBA Color Health
Classification: Uncertain significance for Hereditary cancer-predisposing syndrome. Last evaluated: 2024-09-10. Review status: criteria provided, single submitter. Criteria: ACMG Guidelines, 2015. Collection method: clinical testing. Allele origin: germline.
Comment: This variant deletes 1 nucleotide in exon 16 of the MUTYH gene, causing a frameshift that alters the last 9 amino acids and extends the protein by 20 additional amino acids. To our knowledge, this variant has not been reported in individuals affected with MUTYH-related disorders in the literature. This variant has not been identified in the general population by the Genome Aggregation Database (gnomAD). Loss of MUTYH function is a known mechanism of disease. The available evidence is insufficient to determine the role of this variant in disease conclusively. Therefore, this variant is classified as a Variant of Uncertain Significance.

Ambry Genetics
Classification: Likely pathogenic for Hereditary cancer-predisposing syndrome. Last evaluated: 2024-06-14. Review status: criteria provided, single submitter. Criteria: Ambry Variant Classification Scheme 2023. Collection method: clinical testing. Allele origin: germline.
Comment: The c.1621delG variant, located in coding exon 16 of the MUTYH gene, results from a deletion of one nucleotide at nucleotide position 1621, causing a translational frameshift with a predicted alternate stop codon (p.A541Hfs*30). This alteration occurs at the 3' terminus of theMUTYH gene, is not expected to trigger nonsense-mediated mRNAdecay and results in the elongation of the protein by 20 amino acids. This frameshift impacts the last 9amino acids of the native protein. However, frameshifts are typically deleterious in nature and the impacted region is critical for protein function (Ambry internal data). This variant is considered to be rare based on population cohorts in the Genome Aggregation Database (gnomAD). Based on the majority of available evidence to date, this variant is likely to be pathogenic.

Literature cited by the submitters: PubMed 34704405 (cited by Labcorp Genetics (formerly Invitae), Labcorp).

NM_001048174.2(MUTYH):c.1537del (p.Ala513fs)

Gene: MUTYH (mutY DNA glycosylase; minus strand). Cytogenetic location: 1p34.1.
Variant type: Deletion.
Coding change: c.1537del on transcript NM_001048174.2 (MANE Select); coding-DNA position 1537, one base deleted (G; older notation c.1537delG).
Protein change: p.Ala513fs; shifts the reading frame from alanine 513.
Molecular consequence: frameshift variant. On other transcripts: non-coding transcript variant (2).
Genome position (GRCh38, 1-based): chr1:45,329,335, C deleted on the plus strand (G on the coding strand, the reverse complement: MUTYH is on the minus strand). VCF-style (leftmost placement, unchanged base first): chr1-45329334-GC-G. GRCh37 (hg19) VCF-style: chr1-45795006-GC-G.
Other names: c.1621delG (NM_001128425.1); c.1537del, p.Ala513fs (NM_001048171.2, NM_001048173.2, NM_001293195.2); c.1540del, p.Ala514fs (NM_001048172.2); c.1621del, p.Ala541fs (NM_001128425.2); c.1582del, p.Ala528fs (NM_001293190.2); c.1570del, p.Ala524fs (NM_001293191.2); c.1261del, p.Ala421fs (NM_001293192.2, NM_001293196.2); c.1192del, p.Ala398fs (NM_001350650.2, NM_001350651.2); and 1 more; short protein forms A398fs, A528fs, A538fs, A541fs, A421fs, A524fs, A513fs, A514fs.
Identifiers: ClinVar variation 919530 (VCV000919530.10), dbSNP rs1644350830, ClinGen allele CA1139655477.